The following is an entry in ClinVar:

NM_170707.4(LMNA):c.113T>A (p.Leu38His)

Gene: LMNA (lamin A/C; plus strand). Cytogenetic location: 1q22.
Variant type: single nucleotide variant.
Coding change: c.113T>A on transcript NM_170707.4 (MANE Select); coding-DNA position 113, T replaced by A.
Protein change: p.Leu38His; replaces leucine 38 with histidine.
Molecular consequence: missense variant.
Genome position (GRCh38, 1-based): chr1:156,115,031, T>A. VCF-style: chr1-156115031-T-A. GRCh37 (hg19) VCF-style: chr1-156084822-T-A.
Other names: c.113T>A, p.Leu38His (NM_001282625.2, NM_001282626.2, NM_005572.4 and 1 more transcripts); short protein forms L38H.
Identifiers: ClinVar variation 561053 (VCV000561053.2), dbSNP rs1558116084, ClinGen allele CA342807647.

ClinVar aggregate classification (germline): Uncertain significance (1 of 4 stars; one submission).

Conditions:
Congenital muscular dystrophy due to LMNA mutation. Also called: Congenital muscular dystrophy, LMNA-related; Lamin A-related Congenital Muscular Dystrophy. Identifiers: Orphanet 157973, MedGen C2750785, MONDO:0013178, OMIM 613205.

Submission:

Baylor Genetics
Classification: Uncertain significance for Congenital muscular dystrophy, LMNA-related. Last evaluated: 2017-09-01. Review status: criteria provided, single submitter. Criteria: ACMG Guidelines, 2015. Collection method: clinical testing. Allele origin: de novo. Inheritance: Autosomal unknown. Affected: yes.

Literature cited by the submitters: PubMed 25326635.